The following is an entry in ClinVar:

NM_015425.6(POLR1A):c.17A>G (p.Asn6Ser)

Genes: POLR1A (RNA polymerase I subunit A; minus strand), LOC129934243 (ATAC-STARR-seq lymphoblastoid active region 16153; plus strand). Cytogenetic location: 2p11.2.
Variant type: single nucleotide variant.
Coding change: c.17A>G on transcript NM_015425.6 (MANE Select); coding-DNA position 17, A replaced by G.
Protein change: p.Asn6Ser; replaces asparagine 6 with serine.
Molecular consequence: missense variant.
Genome position (GRCh38, 1-based): chr2:86,105,760, T>C on the plus strand (A>G on the coding strand, the complement: POLR1A is on the minus strand). VCF-style: chr2-86105760-T-C. GRCh37 (hg19) VCF-style: chr2-86332883-T-C.
Other names: short protein forms N6S.
Identifiers: ClinVar variation 1468851 (VCV001468851.8), dbSNP rs764413159, ClinGen allele CA1746771.

ClinVar aggregate classification (germline): Uncertain significance (1 of 4 stars; one submission).

Allele frequency attached by ClinVar (database versions not stated): TOPMed below 0.00001; gnomAD 0.00001.
gnomAD v4.1: 6 of 1,613,926 alleles (0.00037%); highest among the groups gnomAD compares: Non-Finnish European, 0.00042%; no homozygotes.

Submission:

Labcorp Genetics (formerly Invitae), Labcorp
Classification: Uncertain significance. Last evaluated: 2021-12-02. Review status: criteria provided, single submitter. Criteria: Invitae Variant Classification Sherloc (09022015). Collection method: clinical testing. Allele origin: germline.
Comment: This variant is present in population databases (rs764413159, gnomAD 0.002%). This sequence change replaces asparagine, which is neutral and polar, with serine, which is neutral and polar, at codon 6 of the POLR1A protein (p.Asn6Ser). This variant has not been reported in the literature in individuals affected with POLR1A-related conditions. Algorithms developed to predict the effect of missense changes on protein structure and function are either unavailable or do not agree on the potential impact of this missense change (SIFT: "Not Available"; PolyPhen-2: "Benign"; Align-GVGD: "Not Available"). In summary, the available evidence is currently insufficient to determine the role of this variant in disease. Therefore, it has been classified as a Variant of Uncertain Significance.